The following is an entry in ClinVar:

NM_181458.4(PAX3):c.1263_1265dup (p.Thr424_Val425insThr)

Gene: PAX3 (paired box 3; minus strand). Cytogenetic location: 2q36.1.
Variant type: Duplication.
Coding change: c.1263_1265dup on transcript NM_181458.4 (MANE Select); coding-DNA positions 1263 to 1265, 3 bases duplicated (TAC; older notation c.1263_1265dupTAC).
Protein change: p.Thr424_Val425insThr.
Molecular consequence: intron variant (on NM_181460.4).
Genome position (GRCh38, 1-based): chr2:222,202,099-222,202,101, GTA duplicated on the plus strand (TAC on the coding strand, the reverse complement: PAX3 is on the minus strand); duplicating any 3 consecutive bases within chr2:222,202,099-222,202,102 gives the same sequence; the c. name uses the placement nearest the transcript's 3' end. VCF-style (leftmost placement, unchanged base first): chr2-222202098-G-GGTA. GRCh37 (hg19) VCF-style: chr2-223066817-G-GGTA.
Other names: c.1260_1262dup, p.Thr423_Val424insThr (NM_001127366.3); c.1263_1265dup, p.Thr424_Val425insThr (NM_181457.4, NM_181459.4); c.1174-659_1174-657dup (NM_181460.4, NM_181461.4).
Identifiers: ClinVar variation 3572593 (VCV003572593.1).

ClinVar aggregate classification (germline): Uncertain significance (1 of 4 stars; one submission).

Submission:

GeneDx
Classification: Uncertain significance. Last evaluated: 2024-07-10. Review status: criteria provided, single submitter. Criteria: GeneDx Variant Classification Process June 2021. Collection method: clinical testing. Allele origin: germline. Affected: yes.
Comment: In-frame insertion of one amino acid in a non-repeat region; Not observed at significant frequency in large population cohorts (gnomAD); This variant is associated with the following publications: (PMID: 37350193)